The following is an entry in ClinVar:

ClinVar aggregate classification (germline): Benign (0 of 4 stars; one submission).

Conditions:
TMEM132D-related disorder. Also called: TMEM132D-related condition.

Allele frequency attached by ClinVar (database versions not stated): TOPMed 0.07163; gnomAD 0.07719; ESP Exome Variant Server 0.07804; 1000 Genomes Project 30x 0.08026; 1000 Genomes Project 0.08267; ExAC 0.09750.
gnomAD v4.1: 167,508 of 1,613,858 alleles (10%); highest among the groups gnomAD compares: East Asian, 14%; 9,328 homozygotes.

Submission:

PreventionGenetics, part of Exact Sciences
Classification: Benign for TMEM132D-related condition. Last evaluated: 2019-11-26. Review status: no assertion criteria provided. Collection method: clinical testing. Allele origin: germline.
Comment: This variant is classified as benign based on ACMG/AMP sequence variant interpretation guidelines (Richards et al. 2015 PMID: 25741868, with internal and published modifications).

NM_133448.3(TMEM132D):c.2299G>A (p.Val767Ile)

Gene: TMEM132D (transmembrane protein 132D; minus strand). Cytogenetic location: 12q24.33.
Variant type: single nucleotide variant.
Coding change: c.2299G>A on transcript NM_133448.3 (MANE Select); coding-DNA position 2299, G replaced by A.
Protein change: p.Val767Ile; replaces valine 767 with isoleucine.
Molecular consequence: missense variant.
Genome position (GRCh38, 1-based): chr12:129,074,876, C>T on the plus strand (G>A on the coding strand, the complement: TMEM132D is on the minus strand). VCF-style: chr12-129074876-C-T. GRCh37 (hg19) VCF-style: chr12-129559421-C-T.
Other names: short protein forms V767I.
Identifiers: ClinVar variation 3059176 (VCV003059176.2), dbSNP rs73159540, ClinGen allele CA6875819.